The following is an entry in ClinVar:

ClinVar aggregate classification (germline): Uncertain significance. Review status: criteria provided, multiple submitters, no conflicts (2 of 4 stars). 2 submissions from 2 submitters: Uncertain significance (2). Last evaluated 2023-10-06.

Conditions:
Hereditary cancer-predisposing syndrome. Also called: Tumor predisposition; Hereditary Cancer Syndrome; Neoplastic Syndromes, Hereditary; Hereditary neoplastic syndrome. Identifiers: Orphanet 140162, MedGen C0027672, MeSH D009386, MONDO:0015356.

Allele frequency attached by ClinVar (database versions not stated): gnomAD exomes below 0.00001.
gnomAD v4.1: 4 of 1,613,678 alleles (0.00025%); highest among the groups gnomAD compares: Non-Finnish European, 0.00025%; no homozygotes.

Submissions (2):

Labcorp Genetics (formerly Invitae), Labcorp
Classification: Uncertain significance for Hereditary cancer-predisposing syndrome. Last evaluated: 2023-10-06. Review status: criteria provided, single submitter. Criteria: Invitae Variant Classification Sherloc (09022015). Collection method: clinical testing. Allele origin: germline.
Comment: This sequence change replaces isoleucine, which is neutral and non-polar, with threonine, which is neutral and polar, at codon 1008 of the RAD50 protein (p.Ile1008Thr). This variant is present in population databases (no rsID available, gnomAD no frequency). This variant has not been reported in the literature in individuals affected with RAD50-related conditions. ClinVar contains an entry for this variant (Variation ID: 822628). Advanced modeling of protein sequence and biophysical properties (such as structural, functional, and spatial information, amino acid conservation, physicochemical variation, residue mobility, and thermodynamic stability) has been performed at Invitae for this missense variant, however the output from this modeling did not meet the statistical confidence thresholds required to predict the impact of this variant on RAD50 protein function. In summary, the available evidence is currently insufficient to determine the role of this variant in disease. Therefore, it has been classified as a Variant of Uncertain Significance.

Ambry Genetics
Classification: Uncertain significance for Hereditary cancer-predisposing syndrome. Last evaluated: 2022-11-15. Review status: criteria provided, single submitter. Criteria: Ambry Variant Classification Scheme 2023. Collection method: clinical testing. Allele origin: germline.
Comment: The p.I1008T variant (also known as c.3023T>C), located in coding exon 19 of the RAD50 gene, results from a T to C substitution at nucleotide position 3023. The isoleucine at codon 1008 is replaced by threonine, an amino acid with similar properties. This amino acid position is highly conserved in available vertebrate species. In addition, the in silico prediction for this alteration is inconclusive. Since supporting evidence is limited at this time, the clinical significance of this alteration remains unclear.

NM_005732.4(RAD50):c.3023T>C (p.Ile1008Thr)

Gene: RAD50 (RAD50 double strand break repair protein; plus strand). Cytogenetic location: 5q31.1.
Variant type: single nucleotide variant.
Coding change: c.3023T>C on transcript NM_005732.4 (MANE Select); coding-DNA position 3023, T replaced by C.
Protein change: p.Ile1008Thr; replaces isoleucine 1008 with threonine.
Molecular consequence: missense variant.
Genome position (GRCh38, 1-based): chr5:132,609,383, T>C. VCF-style: chr5-132609383-T-C. GRCh37 (hg19) VCF-style: chr5-131945075-T-C.
Other names: short protein forms I1008T.
Identifiers: ClinVar variation 822628 (VCV000822628.13), dbSNP rs1333538778, ClinGen allele CA360961048.